The following is an entry in ClinVar:

ClinVar aggregate classification (germline): Pathogenic (1 of 4 stars; one submission).

Conditions:
Autosomal recessive early-onset Parkinson disease 6 (PARK6). Also called: PARKINSON DISEASE 6, EARLY-ONSET; PINK1 Type of Young-Onset Parkinson Disease; PARKINSON DISEASE 6, MODIFIER OF; PINK1-Related Parkinson Disease. Identifiers: Orphanet 2828, MedGen C1853833, MONDO:0011613, OMIM 605909.

Submission:

Labcorp Genetics (formerly Invitae), Labcorp
Classification: Pathogenic for Autosomal recessive early-onset Parkinson disease 6. Last evaluated: 2022-05-25. Review status: criteria provided, single submitter. Criteria: Invitae Variant Classification Sherloc (09022015). Collection method: clinical testing. Allele origin: germline.
Comment: For these reasons, this variant has been classified as Pathogenic. This variant has not been reported in the literature in individuals affected with PINK1-related conditions. This variant is not present in population databases (gnomAD no frequency). This sequence change creates a premature translational stop signal (p.Met237Argfs*32) in the PINK1 gene. It is expected to result in an absent or disrupted protein product. Loss-of-function variants in PINK1 are known to be pathogenic (PMID: 15087508, 15349870).

Literature cited by the submitters: PubMed 15087508; PubMed 15349870.

NM_032409.3(PINK1):c.710del (p.Met237fs)

Gene: PINK1 (PTEN induced kinase 1; plus strand). Cytogenetic location: 1p36.12.
Variant type: Deletion.
Coding change: c.710del on transcript NM_032409.3 (MANE Select); coding-DNA position 710, one base deleted (T; older notation c.710delT).
Protein change: p.Met237fs; shifts the reading frame from methionine 237.
Molecular consequence: frameshift variant.
Genome position (GRCh38, 1-based): chr1:20,639,926, T deleted. VCF-style (leftmost placement, unchanged base first): chr1-20639925-AT-A. GRCh37 (hg19) VCF-style: chr1-20966418-AT-A.
Other names: short protein forms M237fs.
Identifiers: ClinVar variation 2043496 (VCV002043496.4), dbSNP rs2545252983, ClinGen allele CA2580061438.